The following is an entry in ClinVar:

ClinVar aggregate classification (germline): Likely pathogenic. Review status: criteria provided, multiple submitters, no conflicts (2 of 4 stars). 2 submissions from 2 submitters: Likely pathogenic (2). Last evaluated 2024-12-04.

Conditions:
RPGRIP1L-related disorder. Also called: RPGRIP1L-related condition; RPGRIP1L-related disorders. Identifiers: MedGen CN239416.
Meckel-Gruber syndrome. Also called: Dysencephalia splachnocystica; DYSENCEPHALIA SPLANCHNOCYSTICA; GRUBER SYNDROME. Identifiers: Orphanet 564, MedGen C0265215, MONDO:0018921.
Joubert syndrome. Also called: Familial aplasia of the vermis; JOUBERT-BOLTSHAUSER SYNDROME. Identifiers: Orphanet 475, MedGen C5979921, MONDO:0018772.

gnomAD v4.1: 2 of 1,574,756 alleles (0.00013%); highest among the groups gnomAD compares: Admixed American, 0.0017%; no homozygotes.

Submissions (2):

PreventionGenetics, part of Exact Sciences
Classification: Likely pathogenic for RPGRIP1L-related condition. Last evaluated: 2024-12-04. Review status: criteria provided, single submitter. Criteria: ACMG Guidelines, 2015. Collection method: clinical testing. Allele origin: germline.
Comment: The RPGRIP1L c.632+1G>T variant is predicted to disrupt the GT donor site and interfere with normal splicing. To our knowledge, this variant has not been reported the literature or in a large population database (gnomAD), indicating this variant is rare. Variants that disrupt the consensus splice donor site in RPGRIP1L are expected to be pathogenic. This variant is interpreted as likely pathogenic.

Labcorp Genetics (formerly Invitae), Labcorp
Classification: Likely pathogenic for Joubert syndrome; Meckel-Gruber syndrome. Last evaluated: 2022-12-29. Review status: criteria provided, single submitter. Criteria: Invitae Variant Classification Sherloc (09022015). Collection method: clinical testing. Allele origin: germline.
Comment: In summary, the currently available evidence indicates that the variant is pathogenic, but additional data are needed to prove that conclusively. Therefore, this variant has been classified as Likely Pathogenic. Algorithms developed to predict the effect of sequence changes on RNA splicing suggest that this variant may disrupt the consensus splice site. This variant has not been reported in the literature in individuals affected with RPGRIP1L-related conditions. This variant is not present in population databases (gnomAD no frequency). This sequence change affects a donor splice site in intron 5 of the RPGRIP1L gene. It is expected to disrupt RNA splicing. Variants that disrupt the donor or acceptor splice site typically lead to a loss of protein function (PMID: 16199547), and loss-of-function variants in RPGRIP1L are known to be pathogenic (PMID: 17558409).

Literature cited by the submitters: PubMed 16199547 (cited by Labcorp Genetics (formerly Invitae), Labcorp); PubMed 17558409 (cited by Labcorp Genetics (formerly Invitae), Labcorp).

NM_015272.5(RPGRIP1L):c.632+1G>T

Gene: RPGRIP1L (RPGRIP1 like; minus strand). Cytogenetic location: 16q12.2.
Variant type: single nucleotide variant.
Coding change: c.632+1G>T on transcript NM_015272.5 (MANE Select); the canonical splice donor site of the intron after coding-DNA position 632, G replaced by T.
Molecular consequence: splice donor variant.
Genome position (GRCh38, 1-based): chr16:53,687,862, C>A on the plus strand (G>T on the coding strand, the complement: RPGRIP1L is on the minus strand). VCF-style: chr16-53687862-C-A. GRCh37 (hg19) VCF-style: chr16-53721774-C-A.
Other names: c.632+1G>T (NM_015272.4, NM_001127897.4, NM_001330538.2 and 1 more transcripts).
Identifiers: ClinVar variation 2931725 (VCV002931725.4), dbSNP rs1376397728, ClinGen allele CA395924359.